The following is an entry in ClinVar:

ClinVar aggregate classification (germline): Pathogenic. Review status: reviewed by expert panel (3 of 4 stars). 4 submissions from 4 submitters: Pathogenic (1). 3 of the submissions do not count toward it. Last evaluated 2013-09-05.

Conditions:
Hereditary nonpolyposis colorectal neoplasms. Identifiers: MedGen C0009405, MeSH D003123.
Hereditary cancer-predisposing syndrome. Also called: Hereditary neoplastic syndrome; Neoplastic Syndromes, Hereditary; Hereditary Cancer Syndrome; Tumor predisposition. Identifiers: Orphanet 140162, MedGen C0027672, MeSH D009386, MONDO:0015356.
Lynch syndrome. Identifiers: Orphanet 144, MedGen C4552100, MONDO:0005835. Disease mechanism: loss of function.
Lynch syndrome 5 (LYNCH5). Also called: Hereditary non-polyposis colorectal cancer, type 5; Colorectal cancer, hereditary nonpolyposis, type 5. Identifiers: Orphanet 144, MedGen C1833477, MONDO:0013710, OMIM 614350. Disease mechanism: loss of function.

Submissions (4):

International Society for Gastrointestinal Hereditary Tumours (InSiGHT)
Classification: Pathogenic for Lynch Syndrome. Last evaluated: 2013-09-05. Review status: reviewed by expert panel. Criteria: Guidelines v1.9. Collection method: research. Allele origin: germline.
Comment: Coding sequence variation resulting in a stop codon

Classified with v1.9 guidelines

Myriad Genetics, Inc.
Classification: Pathogenic for Lynch syndrome 5. Last evaluated: 2026-07-16. Review status: criteria provided, single submitter. Criteria: Myriad Autosomal Dominant, Autosomal Recessive and X-Linked Classification Criteria (2023). Collection method: clinical testing. Allele origin: unknown. Not counted in ClinVar's aggregate classification.
Comment: This variant is considered pathogenic. This variant creates a frameshift predicted to result in premature protein truncation.

Labcorp Genetics (formerly Invitae), Labcorp
Classification: Pathogenic for Hereditary nonpolyposis colorectal neoplasms. Last evaluated: 2025-04-26. Review status: criteria provided, single submitter. Criteria: Invitae Variant Classification Sherloc (09022015). Collection method: clinical testing. Allele origin: germline. Not counted in ClinVar's aggregate classification.
Comment: This sequence change creates a premature translational stop signal (p.Arg1172Serfs*11) in the MSH6 gene. It is expected to result in an absent or disrupted protein product. Loss-of-function variants in MSH6 are known to be pathogenic (PMID: 18269114, 24362816). This variant is not present in population databases (gnomAD no frequency). This premature translational stop signal has been observed in individual(s) with MSH6-related conditions (PMID: 18389388). ClinVar contains an entry for this variant (Variation ID: 89405). For these reasons, this variant has been classified as Pathogenic.

Ambry Genetics
Classification: Pathogenic for Hereditary cancer-predisposing syndrome. Last evaluated: 2020-02-06. Review status: criteria provided, single submitter. Criteria: Ambry Variant Classification Scheme 2023. Collection method: clinical testing. Allele origin: germline. Not counted in ClinVar's aggregate classification.
Comment: The c.3516_3519delAGTG pathogenic mutation, located in coding exon 6 of the MSH6 gene, results from a deletion of 4 nucleotides at nucleotide positions 3516 to 3519, causing a translational frameshift with a predicted alternate stop codon (p.R1172Sfs*11). In addition to the clinical data presented in the literature, this alteration is expected to result in loss of function by premature protein truncation or nonsense-mediated mRNA decay. As such, this alteration is interpreted as a disease-causing mutation.

Literature cited by the submitters: PubMed 18269114 (cited by Labcorp Genetics (formerly Invitae), Labcorp); PubMed 24362816 (cited by Labcorp Genetics (formerly Invitae), Labcorp); PubMed 18389388 (cited by Labcorp Genetics (formerly Invitae), Labcorp and Ambry Genetics).

NM_000179.3(MSH6):c.3516_3519del (p.Arg1172fs)

Gene: MSH6 (mutS homolog 6; plus strand). Cytogenetic location: 2p16.3.
Variant type: Deletion.
Coding change: c.3516_3519del on transcript NM_000179.3 (MANE Select); coding-DNA positions 3516 to 3519, 4 bases deleted (AGTG; older notation c.3516_3519delAGTG).
Protein change: p.Arg1172fs; shifts the reading frame from arginine 1172.
Molecular consequence: frameshift variant.
Genome position (GRCh38, 1-based): chr2:47,804,987-47,804,990, AGTG deleted; deleting any 4 consecutive bases within chr2:47,804,986-47,804,990 gives the same sequence; the c. name uses the placement nearest the transcript's 3' end. VCF-style (leftmost placement, unchanged base first): chr2-47804985-AGAGT-A. GRCh37 (hg19) VCF-style: chr2-48032124-AGAGT-A.
Other names: c.3126_3129del, p.Arg1042fs (NM_001281492.2); c.2610_2613del, p.Arg870fs (NM_001281493.2, NM_001281494.2); short protein forms R870fs, R1042fs.
Identifiers: ClinVar variation 89405 (VCV000089405.6), dbSNP rs267608099, ClinGen allele CA013228.